The following is an entry in ClinVar:

NM_024496.4(IRF2BPL):c.876T>C (p.Ala292=)

Gene: IRF2BPL (interferon regulatory factor 2 binding protein like; minus strand). Cytogenetic location: 14q24.3.
Variant type: single nucleotide variant.
Coding change: c.876T>C on transcript NM_024496.4 (MANE Select); coding-DNA position 876, T replaced by C.
Protein change: p.Ala292=; no amino-acid change (alanine 292 retained).
Molecular consequence: synonymous variant.
Genome position (GRCh38, 1-based): chr14:77,026,917, A>G on the plus strand (T>C on the coding strand, the complement: IRF2BPL is on the minus strand). VCF-style: chr14-77026917-A-G. GRCh37 (hg19) VCF-style: chr14-77493260-A-G.
Other names: c.876T>C (NM_024496.3).
Identifiers: ClinVar variation 2644393 (VCV002644393.25), dbSNP rs1348503182, ClinGen allele CA487508004.

ClinVar aggregate classification (germline): Likely benign. Review status: criteria provided, single submitter (1 of 4 stars). 2 submissions from 2 submitters: Likely benign (1). 1 of the submissions does not count toward it. Last evaluated 2026-05-01.

Conditions:
IRF2BPL-related disorder. Also called: IRF2BPL-related condition. Identifiers: MedGen CN381093.

Allele frequency attached by ClinVar (database versions not stated): gnomAD exomes below 0.00001.
gnomAD v4.1: 1 of 1,483,816 alleles (0.000067%); highest among the groups gnomAD compares: Non-Finnish European, 0.000089%; no homozygotes.

Submissions (2):

CeGaT Center for Human Genetics Tuebingen
Classification: Likely benign. Last evaluated: 2026-05-01. Review status: criteria provided, single submitter. Criteria: CeGaT Center For Human Genetics Tuebingen Variant Classification Criteria Version 2. Collection method: clinical testing. Allele origin: germline. Affected: yes. Observed: 5 variant alleles.
Comment: IRF2BPL: BP4, BP7

PreventionGenetics, part of Exact Sciences
Classification: Likely benign for IRF2BPL-related condition. Last evaluated: 2019-10-28. Review status: no assertion criteria provided. Collection method: clinical testing. Allele origin: germline. Not counted in ClinVar's aggregate classification.
Comment: This variant is classified as likely benign based on ACMG/AMP sequence variant interpretation guidelines (Richards et al. 2015 PMID: 25741868, with internal and published modifications).